The following is an entry in ClinVar:

ClinVar aggregate classification (germline): Uncertain significance. Review status: criteria provided, multiple submitters, no conflicts (2 of 4 stars). 2 submissions from 2 submitters: Uncertain significance (2). Last evaluated 2024-06-26.

Conditions:
Inborn genetic diseases. Identifiers: MedGen C0950123, MeSH D030342.

Allele frequency attached by ClinVar (database versions not stated): ExAC 0.00005; gnomAD exomes 0.00005 and 0.00015; TOPMed 0.00009; gnomAD 0.00011 and 0.00012; ESP Exome Variant Server 0.00031.
gnomAD v4.1: 242 of 1,613,936 alleles (0.015%); highest among the groups gnomAD compares: Non-Finnish European, 0.019%; no homozygotes.

Submissions (2):

Ambry Genetics
Classification: Uncertain significance for Inborn genetic diseases. Last evaluated: 2024-06-26. Review status: criteria provided, single submitter. Criteria: Ambry Variant Classification Scheme 2023. Collection method: clinical testing. Allele origin: germline.

Labcorp Genetics (formerly Invitae), Labcorp
Classification: Uncertain significance. Last evaluated: 2022-08-22. Review status: criteria provided, single submitter. Criteria: Invitae Variant Classification Sherloc (09022015). Collection method: clinical testing. Allele origin: germline.
Comment: This sequence change replaces valine, which is neutral and non-polar, with alanine, which is neutral and non-polar, at codon 275 of the SLC26A3 protein (p.Val275Ala). This variant is present in population databases (rs142128989, gnomAD 0.009%). This variant has not been reported in the literature in individuals affected with SLC26A3-related conditions. ClinVar contains an entry for this variant (Variation ID: 1524539). Algorithms developed to predict the effect of missense changes on protein structure and function are either unavailable or do not agree on the potential impact of this missense change (SIFT: "Tolerated"; PolyPhen-2: "Possibly Damaging"; Align-GVGD: "Class C0"). In summary, the available evidence is currently insufficient to determine the role of this variant in disease. Therefore, it has been classified as a Variant of Uncertain Significance.

NM_000111.3(SLC26A3):c.824T>C (p.Val275Ala)

Gene: SLC26A3 (solute carrier family 26 member 3; minus strand). Cytogenetic location: 7q22.3.
Variant type: single nucleotide variant.
Coding change: c.824T>C on transcript NM_000111.3 (MANE Select); coding-DNA position 824, T replaced by C.
Protein change: p.Val275Ala; replaces valine 275 with alanine.
Molecular consequence: missense variant.
Genome position (GRCh38, 1-based): chr7:107,787,421, A>G on the plus strand (T>C on the coding strand, the complement: SLC26A3 is on the minus strand). VCF-style: chr7-107787421-A-G. GRCh37 (hg19) VCF-style: chr7-107427866-A-G.
Other names: c.824T>C (NM_000111.2); short protein forms V275A.
Identifiers: ClinVar variation 1524539 (VCV001524539.7), dbSNP rs142128989, ClinGen allele CA4434021.
Genomic context (GRCh38, chr7:107,787,421, plus strand): 5'-ATGAATTCGATTGGAATGGGCACTGGAAGTTTGTCTTTGAAGCGCTGATTTATTTCTTTA[A>G]CAATGGATACAACCAAAAGGACAATCAGAGCTGTCACCAGGTCTGCAATATTAGTCTTCT-3'
Protein context (NP_000102.1, residues 265-285): ALIVLLVVSI[Val275Ala]KEINQRFKDK